The following is an entry in ClinVar:

NM_001470.4(GABBR1):c.1196A>G (p.Asn399Ser)

Gene: GABBR1 (gamma-aminobutyric acid type B receptor subunit 1; minus strand). Cytogenetic location: 6p22.1.
Variant type: single nucleotide variant.
Coding change: c.1196A>G on transcript NM_001470.4 (MANE Select); coding-DNA position 1196, A replaced by G.
Protein change: p.Asn399Ser; replaces asparagine 399 with serine.
Molecular consequence: missense variant.
Genome position (GRCh38, 1-based): chr6:29,621,228, T>C on the plus strand (A>G on the coding strand, the complement: GABBR1 is on the minus strand). VCF-style: chr6-29621228-T-C. GRCh37 (hg19) VCF-style: chr6-29589005-T-C.
Other names: c.665A>G, p.Asn222Ser (NM_001319053.2); c.845A>G, p.Asn282Ser (NM_021903.3); c.1010A>G, p.Asn337Ser (NM_021904.4); short protein forms N222S, N282S, N337S, N399S.
Identifiers: ClinVar variation 4527806 (VCV004527806.1).
Genomic context (GRCh38, chr6:29,621,228, plus strand): 5'-ACCGCCTCAGTCATCTCATCCACTGTGCAGTTGATAGAAGGGTCGTAGATCTTGAACCAA[T>C]TGTCAGCATACCACCCAATGAGGAACCAGACGTACTTCTTCCCAAAGAGACGCTCCTTGT-3'
Protein context (NP_001461.1, residues 389-409): VWFLIGWYAD[Asn399Ser]WFKIYDPSIN

ClinVar aggregate classification (germline): Uncertain significance (1 of 4 stars; one submission).

Submission:

GeneDx
Classification: Uncertain significance. Last evaluated: 2025-04-28. Review status: criteria provided, single submitter. Criteria: GeneDx Variant Classification Process June 2021. Collection method: clinical testing. Allele origin: germline. Affected: yes.
Comment: Not observed at significant frequency in large population cohorts (gnomAD); In silico analysis supports that this missense variant has a deleterious effect on protein structure/function; Has not been previously published as pathogenic or benign to our knowledge